The following is an entry in ClinVar:

NM_006015.6(ARID1A):c.6832G>A (p.Val2278Ile)

Gene: ARID1A (AT-rich interaction domain 1A; plus strand). Cytogenetic location: 1p36.11.
Variant type: single nucleotide variant.
Coding change: c.6832G>A on transcript NM_006015.6 (MANE Select); coding-DNA position 6832, G replaced by A.
Protein change: p.Val2278Ile; replaces valine 2278 with isoleucine.
Molecular consequence: missense variant.
Genome position (GRCh38, 1-based): chr1:26,780,730, G>A. VCF-style: chr1-26780730-G-A. GRCh37 (hg19) VCF-style: chr1-27107221-G-A.
Other names: c.6181G>A, p.Val2061Ile (NM_139135.4); short protein forms V2061I, V2278I.
Identifiers: ClinVar variation 2064283 (VCV002064283.4), dbSNP rs771875432, ClinGen allele CA707908.
Genomic context (GRCh38, chr1:26,780,730, plus strand): 5'-CTGTTGGACATCTCGGTATCACCGTTGATGAACTCATTGGTTTCACAAGTCATTTGTGAT[G>A]TACTGTTTTTGATTGGCCAGTCATGACAGCCGTGGGACACCTCCCCCCCCCGTGTGTGTG-3'
Protein context (NP_006006.3, residues 2268-2285): NSLVSQVICD[Val2278Ile]LFLIGQS

ClinVar aggregate classification (germline): Uncertain significance (1 of 4 stars; one submission).

Allele frequency attached by ClinVar (database versions not stated): ExAC 0.00001; gnomAD 0.00001; TOPMed 0.00001; gnomAD exomes 0.00002.

Submission:

Labcorp Genetics (formerly Invitae), Labcorp
Classification: Uncertain significance. Last evaluated: 2022-05-06. Review status: criteria provided, single submitter. Criteria: Invitae Variant Classification Sherloc (09022015). Collection method: clinical testing. Allele origin: germline.
Comment: In summary, the available evidence is currently insufficient to determine the role of this variant in disease. Therefore, it has been classified as a Variant of Uncertain Significance. Algorithms developed to predict the effect of missense changes on protein structure and function are either unavailable or do not agree on the potential impact of this missense change (SIFT: "Tolerated"; PolyPhen-2: "Possibly Damaging"; Align-GVGD: "Class C0"). This variant has not been reported in the literature in individuals affected with ARID1A-related conditions. This variant is present in population databases (rs771875432, gnomAD 0.003%). This sequence change replaces valine, which is neutral and non-polar, with isoleucine, which is neutral and non-polar, at codon 2278 of the ARID1A protein (p.Val2278Ile).